The following is an entry in ClinVar:

NM_013335.4(GMPPA):c.-21+303T>C

Genes: ASIC4-AS1 (ASIC4 antisense RNA 1; minus strand), GMPPA (GDP-mannose pyrophosphorylase A; plus strand). Cytogenetic location: 2q35.
Variant type: single nucleotide variant.
Coding change: c.-21+303T>C on transcript NM_013335.4 (MANE Select); 303 bases into the intron after 21 bases upstream of the start codon, T replaced by C.
Molecular consequence: intron variant. On other transcripts: 5 prime UTR variant (1).
Genome position (GRCh38, 1-based): chr2:219,499,241, T>C. VCF-style: chr2-219499241-T-C. GRCh37 (hg19) VCF-style: chr2-220363963-T-C.
Other names: c.-29T>C (NM_205847.3).
Identifiers: ClinVar variation 514269 (VCV000514269.1), dbSNP rs1553623532, ClinGen allele CA658796180.

ClinVar aggregate classification (germline): Likely benign (1 of 4 stars; one submission).

Submission:

GeneDx
Classification: Likely benign. Last evaluated: 2018-01-04. Review status: criteria provided, single submitter. Criteria: GeneDx Variant Classification (06012015). Collection method: clinical testing. Allele origin: germline. Affected: yes.
Comment: This variant is considered likely benign or benign based on one or more of the following criteria: it is a conservative change, it occurs at a poorly conserved position in the protein, it is predicted to be benign by multiple in silico algorithms, and/or has population frequency not consistent with disease.